The following is an entry in ClinVar:

NM_181882.3(PRX):c.3389C>G (p.Thr1130Arg)

Gene: PRX (periaxin; minus strand). Cytogenetic location: 19q13.2.
Variant type: single nucleotide variant.
Coding change: c.3389C>G on transcript NM_181882.3 (MANE Select); coding-DNA position 3389, C replaced by G.
Protein change: p.Thr1130Arg; replaces threonine 1130 with arginine.
Molecular consequence: missense variant. On other transcripts: 3 prime UTR variant (1).
Genome position (GRCh38, 1-based): chr19:40,394,963, G>C on the plus strand (C>G on the coding strand, the complement: PRX is on the minus strand). VCF-style: chr19-40394963-G-C. GRCh37 (hg19) VCF-style: chr19-40900870-G-C.
Other names: c.*3594C>G (NM_020956.2); short protein forms T1130R.
Identifiers: ClinVar variation 1041901 (VCV001041901.8), dbSNP rs2079417291, ClinGen allele CA405893948.

ClinVar aggregate classification (germline): Uncertain significance (1 of 4 stars; one submission).

Conditions:
Charcot-Marie-Tooth disease type 4. Also called: Charcot-Marie-Tooth, Type 4; Charcot-Marie-Tooth disease, type IV. Identifiers: Orphanet 64749, MedGen C4082197, MONDO:0018995.

Submission:

Labcorp Genetics (formerly Invitae), Labcorp
Classification: Uncertain significance for Charcot-Marie-Tooth disease type 4. Last evaluated: 2020-12-27. Review status: criteria provided, single submitter. Criteria: Invitae Variant Classification Sherloc (09022015). Collection method: clinical testing. Allele origin: germline.
Comment: In summary, the available evidence is currently insufficient to determine the role of this variant in disease. Therefore, it has been classified as a Variant of Uncertain Significance. This sequence change replaces threonine with arginine at codon 1130 of the PRX protein (p.Thr1130Arg). The threonine residue is moderately conserved and there is a moderate physicochemical difference between threonine and arginine. This variant is not present in population databases (ExAC no frequency). This variant has not been reported in the literature in individuals with PRX-related conditions. Algorithms developed to predict the effect of missense changes on protein structure and function are either unavailable or do not agree on the potential impact of this missense change (SIFT: "Tolerated"; PolyPhen-2: "Possibly Damaging"; Align-GVGD: "Class C0").